The following is an entry in ClinVar:

ClinVar aggregate classification (germline): Uncertain significance (1 of 4 stars; one submission).

Conditions:
Duane-radial ray syndrome (DRRS). Also called: ACRORENOOCULAR SYNDROME; DR SYNDROME; DUANE ANOMALY WITH RADIAL RAY ABNORMALITIES AND DEAFNESS; Duane-Radial Ray Syndrome/Okihiro Syndrome; Okihiro Syndrome; Duane-Radial Ray Syndrome (DRRS) / Okihiro Syndrome. Identifiers: Orphanet 93293, Orphanet 959, MedGen C1623209, MONDO:0011812, OMIM 607323. Disease mechanism: gain of function.

gnomAD v4.1: 1 of 1,614,128 alleles (0.000062%); highest among the groups gnomAD compares: Admixed American, 0.0017%; no homozygotes.

Submission:

Labcorp Genetics (formerly Invitae), Labcorp
Classification: Uncertain significance for Duane-radial ray syndrome. Last evaluated: 2021-12-09. Review status: criteria provided, single submitter. Criteria: Invitae Variant Classification Sherloc (09022015). Collection method: clinical testing. Allele origin: germline.
Comment: This sequence change replaces alanine, which is neutral and non-polar, with proline, which is neutral and non-polar, at codon 437 of the SALL4 protein (p.Ala437Pro). In summary, the available evidence is currently insufficient to determine the role of this variant in disease. Therefore, it has been classified as a Variant of Uncertain Significance. Algorithms developed to predict the effect of missense changes on protein structure and function are either unavailable or do not agree on the potential impact of this missense change (SIFT: "Tolerated"; PolyPhen-2: "Probably Damaging"; Align-GVGD: "Class C0"). This variant has not been reported in the literature in individuals affected with SALL4-related conditions. This variant is not present in population databases (gnomAD no frequency).

NM_020436.5(SALL4):c.1309G>C (p.Ala437Pro)

Gene: SALL4 (spalt like transcription factor 4; minus strand). Cytogenetic location: 20q13.2.
Variant type: single nucleotide variant.
Coding change: c.1309G>C on transcript NM_020436.5 (MANE Select); coding-DNA position 1309, G replaced by C.
Protein change: p.Ala437Pro; replaces alanine 437 with proline.
Molecular consequence: missense variant. On other transcripts: intron variant (1).
Genome position (GRCh38, 1-based): chr20:51,791,174, C>G on the plus strand (G>C on the coding strand, the complement: SALL4 is on the minus strand). VCF-style: chr20-51791174-C-G. GRCh37 (hg19) VCF-style: chr20-50407713-C-G.
Other names: c.1150+159G>C (NM_001318031.2); short protein forms A437P.
Identifiers: ClinVar variation 1948427 (VCV001948427.5), dbSNP rs2515716713, ClinGen allele CA409011051.
Genomic context (GRCh38, chr20:51,791,174, plus strand): 5'-AGGGGATGCCATTGCCGGCCGCCACTTTGTCCTGGAACTCGGCAAACAGCTGGGGGTTTG[C>G]CTTCACCTGGGGATGTCGGTGAAAGTGCACCTTGAGGTTGCCCTTGGTGGTGAAGCGATG-3'
Protein context (NP_065169.1, residues 427-447): VHFHRHPQVK[Ala437Pro]NPQLFAEFQD